The following is an entry in ClinVar:

NM_002691.4(POLD1):c.2994G>C (p.Lys998Asn)

Gene: POLD1 (DNA polymerase delta 1, catalytic subunit; plus strand). Cytogenetic location: 19q13.33.
Variant type: single nucleotide variant.
Coding change: c.2994G>C on transcript NM_002691.4 (MANE Select); coding-DNA position 2994, G replaced by C.
Protein change: p.Lys998Asn; replaces lysine 998 with asparagine.
Molecular consequence: missense variant. On other transcripts: non-coding transcript variant (1).
Genome position (GRCh38, 1-based): chr19:50,416,650, G>C. VCF-style: chr19-50416650-G-C. GRCh37 (hg19) VCF-style: chr19-50919907-G-C.
Other names: c.2994G>C, p.Lys998Asn (NM_001256849.1); c.3072G>C, p.Lys1024Asn (NM_001308632.1); short protein forms K1024N, K998N.
Identifiers: ClinVar variation 239327 (VCV000239327.11), dbSNP rs878854549, ClinGen allele CA10583859.

ClinVar aggregate classification (germline): Uncertain significance. Review status: criteria provided, multiple submitters, no conflicts (2 of 4 stars). 3 submissions from 3 submitters: Uncertain significance (3). Last evaluated 2025-12-21.

Conditions:
POLD1-related polyposis and colorectal cancer syndrome (CRCS10). Also called: COLORECTAL CANCER, SUSCEPTIBILITY TO, ON CHROMOSOME 19q; Colorectal cancer 10; Colorectal cancer, susceptibility to, 10. Identifiers: Orphanet 220460, MedGen C2675481, MONDO:0012953, OMIM 612591.
Hereditary cancer-predisposing syndrome. Also called: Hereditary Cancer Syndrome; Neoplastic Syndromes, Hereditary; Hereditary neoplastic syndrome; Tumor predisposition. Identifiers: Orphanet 140162, MedGen C0027672, MeSH D009386, MONDO:0015356.

Allele frequency attached by ClinVar (database versions not stated): gnomAD exomes below 0.00001; TOPMed below 0.00001; gnomAD 0.00001.

Submissions (3):

Labcorp Genetics (formerly Invitae), Labcorp
Classification: Uncertain significance for POLD1-related polyposis and colorectal cancer syndrome. Last evaluated: 2025-12-21. Review status: criteria provided, single submitter. Criteria: Invitae Variant Classification Sherloc (09022015). Collection method: clinical testing. Allele origin: germline.
Comment: This sequence change replaces lysine, which is basic and polar, with asparagine, which is neutral and polar, at codon 998 of the POLD1 protein (p.Lys998Asn). This variant is not present in population databases (gnomAD no frequency). This variant has not been reported in the literature in individuals affected with POLD1-related conditions. ClinVar contains an entry for this variant (Variation ID: 239327). Invitae Evidence Modeling of protein sequence and biophysical properties (such as structural, functional, and spatial information, amino acid conservation, physicochemical variation, residue mobility, and thermodynamic stability) indicates that this missense variant is not expected to disrupt POLD1 protein function with a negative predictive value of 80%. In summary, the available evidence is currently insufficient to determine the role of this variant in disease. Therefore, it has been classified as a Variant of Uncertain Significance.

Ambry Genetics
Classification: Uncertain significance for Hereditary cancer-predisposing syndrome. Last evaluated: 2024-04-27. Review status: criteria provided, single submitter. Criteria: Ambry Variant Classification Scheme 2023. Collection method: clinical testing. Allele origin: germline.
Comment: The p.K998N variant (also known as c.2994G>C), located in coding exon 23 of the POLD1 gene, results from a G to C substitution at nucleotide position 2994. The lysine at codon 998 is replaced by asparagine, an amino acid with similar properties. This amino acid position is conserved. In addition, this alteration is predicted to be tolerated by in silico analysis. Since supporting evidence is limited at this time, the clinical significance of this alteration remains unclear.

GeneDx
Classification: Uncertain significance. Last evaluated: 2024-03-01. Review status: criteria provided, single submitter. Criteria: GeneDx Variant Classification Process June 2021. Collection method: clinical testing. Allele origin: germline. Affected: yes.
Comment: Not observed at significant frequency in large population cohorts (gnomAD); In silico analysis supports that this missense variant has a deleterious effect on protein structure/function; Has not been previously published as pathogenic or benign to our knowledge